The following is an entry in ClinVar:

NM_004972.4(JAK2):c.2959G>A (p.Glu987Lys)

Genes: INSL6 (insulin like 6; minus strand), JAK2 (Janus kinase 2; plus strand). Cytogenetic location: 9p24.1.
Variant type: single nucleotide variant.
Coding change: c.2959G>A on transcript NM_004972.4 (MANE Select); coding-DNA position 2959, G replaced by A.
Protein change: p.Glu987Lys; replaces glutamic acid 987 with lysine.
Molecular consequence: missense variant. On other transcripts: non-coding transcript variant (2).
Genome position (GRCh38, 1-based): chr9:5,090,811, G>A. VCF-style: chr9-5090811-G-A. GRCh37 (hg19) VCF-style: chr9-5090811-G-A.
Other names: c.2959G>A, p.Glu987Lys (NM_001322194.2, NM_001322195.2, NM_001322196.2); c.1744G>A, p.Glu582Lys (NM_001322198.2, NM_001322199.2); c.2512G>A, p.Glu838Lys (NM_001322204.2); short protein forms E582K, E838K, E987K.
Identifiers: ClinVar variation 3354839 (VCV003354839.3).

ClinVar aggregate classification (germline): Uncertain significance. Review status: criteria provided, single submitter (1 of 4 stars). 2 submissions from 2 submitters: Uncertain significance (1). 1 of the submissions does not count toward it. Last evaluated 2024-11-24.

Conditions:
JAK2-related disorder. Also called: JAK2-related condition.

gnomAD v4.1: 10 of 1,613,386 alleles (0.00062%); highest among the groups gnomAD compares: East Asian, 0.0045%; no homozygotes.

Submissions (2):

Labcorp Genetics (formerly Invitae), Labcorp
Classification: Uncertain significance. Last evaluated: 2024-11-24. Review status: criteria provided, single submitter. Criteria: Invitae Variant Classification Sherloc (09022015). Collection method: clinical testing. Allele origin: germline.
Comment: This sequence change replaces glutamic acid, which is acidic and polar, with lysine, which is basic and polar, at codon 987 of the JAK2 protein (p.Glu987Lys). This variant is present in population databases (rs550229414, gnomAD 0.007%). This variant has not been reported in the literature in individuals affected with JAK2-related conditions. Invitae Evidence Modeling of protein sequence and biophysical properties (such as structural, functional, and spatial information, amino acid conservation, physicochemical variation, residue mobility, and thermodynamic stability) indicates that this missense variant is not expected to disrupt JAK2 protein function with a negative predictive value of 80%. In summary, the available evidence is currently insufficient to determine the role of this variant in disease. Therefore, it has been classified as a Variant of Uncertain Significance.

PreventionGenetics, part of Exact Sciences
Classification: Uncertain significance for JAK2-related condition. Last evaluated: 2024-07-02. Review status: no assertion criteria provided. Collection method: clinical testing. Allele origin: germline. Not counted in ClinVar's aggregate classification.
Comment: The JAK2 c.2959G>A variant is predicted to result in the amino acid substitution p.Glu987Lys. This variant has been reported in an individual with cerebral venous thrombosis (Wang et al. 2024. PubMed ID: 38886735). This variant is reported in 0.0065% of alleles in individuals of South Asian descent in gnomAD. At this time, the clinical significance of this variant is uncertain due to the absence of conclusive functional and genetic evidence.